The following is an entry in ClinVar:

NM_006947.4(SRP72):c.640A>G (p.Thr214Ala)

Gene: SRP72 (signal recognition particle 72; plus strand). Cytogenetic location: 4q12.
Variant type: single nucleotide variant.
Coding change: c.640A>G on transcript NM_006947.4 (MANE Select); coding-DNA position 640, A replaced by G.
Protein change: p.Thr214Ala; replaces threonine 214 with alanine.
Molecular consequence: missense variant. On other transcripts: non-coding transcript variant (1).
Genome position (GRCh38, 1-based): chr4:56,476,700, A>G. VCF-style: chr4-56476700-A-G. GRCh37 (hg19) VCF-style: chr4-57342866-A-G.
Other names: c.640A>G, p.Thr214Ala (NM_001267722.2); short protein forms T214A.
Identifiers: ClinVar variation 4174903 (VCV004174903.1).

ClinVar aggregate classification (germline): Uncertain significance (1 of 4 stars; one submission).

gnomAD v4.1: 5 of 1,612,588 alleles (0.00031%); highest among the groups gnomAD compares: South Asian, 0.0055%; no homozygotes.

Submission:

Ambry Genetics
Classification: Uncertain significance. Last evaluated: 2025-06-21. Review status: criteria provided, single submitter. Criteria: Ambry Variant Classification Scheme 2023. Collection method: clinical testing. Allele origin: germline.
Comment: The p.T214A variant (also known as c.640A>G), located in coding exon 6 of the SRP72 gene, results from an A to G substitution at nucleotide position 640. The threonine at codon 214 is replaced by alanine, an amino acid with similar properties. This amino acid position is conserved. In addition, this alteration is predicted to be tolerated by in silico analysis. Based on the available evidence, the clinical significance of this variant remains unclear.